The following is an entry in ClinVar:

NM_022787.4(NMNAT1):c.664T>A (p.Ser222Thr)

Gene: NMNAT1 (nicotinamide nucleotide adenylyltransferase 1; plus strand). Cytogenetic location: 1p36.22.
Variant type: single nucleotide variant.
Coding change: c.664T>A on transcript NM_022787.4 (MANE Select); coding-DNA position 664, T replaced by A.
Protein change: p.Ser222Thr; replaces serine 222 with threonine.
Molecular consequence: missense variant.
Genome position (GRCh38, 1-based): chr1:9,982,525, T>A. VCF-style: chr1-9982525-T-A. GRCh37 (hg19) VCF-style: chr1-10042583-T-A.
Other names: c.664T>A, p.Ser222Thr (NM_001297778.1); short protein forms S222T.
Identifiers: ClinVar variation 1059672 (VCV001059672.5), dbSNP rs763166285, ClinGen allele CA579306.

ClinVar aggregate classification (germline): Uncertain significance (1 of 4 stars; one submission).

Conditions:
Leber congenital amaurosis 9 (LCA9). Also called: LCA9 Leber Congenital Amaurosis; LCA 9; Amaurosis congenita of Leber, type 9. Identifiers: Orphanet 65, MedGen C1837873, MONDO:0012056, OMIM 608553.

Allele frequency attached by ClinVar (database versions not stated): gnomAD 0.00001; gnomAD exomes 0.00001 and 0.00002; ExAC 0.00002.
gnomAD v4.1: 19 of 1,614,046 alleles (0.0012%); highest among the groups gnomAD compares: South Asian, 0.021%; 1 homozygote.

Submission:

Labcorp Genetics (formerly Invitae), Labcorp
Classification: Uncertain significance for Leber congenital amaurosis 9. Last evaluated: 2020-01-10. Review status: criteria provided, single submitter. Criteria: Invitae Variant Classification Sherloc (09022015). Collection method: clinical testing. Allele origin: germline.
Comment: This variant has not been reported in the literature in individuals with NMNAT1-related conditions. This sequence change replaces serine with threonine at codon 222 of the NMNAT1 protein (p.Ser222Thr). The serine residue is highly conserved and there is a small physicochemical difference between serine and threonine. This variant is present in population databases (rs763166285, ExAC 0.01%). Algorithms developed to predict the effect of missense changes on protein structure and function are either unavailable or do not agree on the potential impact of this missense change (SIFT: "Deleterious"; PolyPhen-2: "Probably Damaging"; Align-GVGD: "Class C0"). In summary, the available evidence is currently insufficient to determine the role of this variant in disease. Therefore, it has been classified as a Variant of Uncertain Significance.